The following is an entry in ClinVar:

NM_001267550.2(TTN):c.64762G>A (p.Gly21588Arg)

Genes: TTN (titin; minus strand), TTN-AS1 (TTN antisense RNA 1; plus strand). Cytogenetic location: 2q31.2.
Variant type: single nucleotide variant.
Coding change: c.64762G>A on transcript NM_001267550.2 (MANE Select); coding-DNA position 64762, G replaced by A.
Protein change: p.Gly21588Arg; replaces glycine 21588 with arginine.
Molecular consequence: missense variant. On other transcripts: non-coding transcript variant (1).
Genome position (GRCh38, 1-based): chr2:178,584,879, C>T on the plus strand (G>A on the coding strand, the complement: TTN is on the minus strand). VCF-style: chr2-178584879-C-T. GRCh37 (hg19) VCF-style: chr2-179449606-C-T.
Other names: p.G19947R:GGA>AGA; c.59839G>A, p.Gly19947Arg (NM_001256850.1); c.37567G>A, p.Gly12523Arg (NM_003319.4); c.57058G>A, p.Gly19020Arg (NM_133378.4); c.37942G>A, p.Gly12648Arg (NM_133432.3); c.38143G>A, p.Gly12715Arg (NM_133437.4); short protein forms G19020R, G21588R, G19947R, G12523R, G12648R, G12715R.
Identifiers: ClinVar variation 96296 (VCV000096296.65), dbSNP rs181717727, ClinGen allele CA181752.

ClinVar aggregate classification (germline): Conflicting classifications of pathogenicity. Review status: criteria provided, conflicting classifications (1 of 4 stars). 18 submissions from 14 submitters: Uncertain significance (3); Benign (10); Likely benign (5). Last evaluated 2026-05-01.

Conditions:
Cardiovascular phenotype. Identifiers: MedGen CN230736.
Dilated cardiomyopathy 1G (CMD1G). Identifiers: Orphanet 154, MedGen C1858763, MONDO:0011400, OMIM 604145.
Autosomal recessive limb-girdle muscular dystrophy type 2J (LGMDR10). Also called: Limb-girdle muscular dystrophy, type 2J; MUSCULAR DYSTROPHY, LIMB-GIRDLE, AUTOSOMAL RECESSIVE 10. Identifiers: Orphanet 140922, MedGen C1837342, MONDO:0012127, OMIM 608807.
Cardiomyopathy (CMYO). Also called: Cardiomyopathies. Identifiers: Orphanet 167848, MedGen C0878544, MONDO:0004994, HP:0001638. Inheritance: Various modes of inheritance.
Early-onset myopathy with fatal cardiomyopathy (CMYO5). Also called: Salih Myopathy; CONGENITAL MYOPATHY 5 WITH CARDIOMYOPATHY. Identifiers: Orphanet 289377, MedGen C2673677, MONDO:0012714, OMIM 611705. Disease mechanism: loss of function.
Myopathy, myofibrillar, 9, with early respiratory failure (MFM9). Also called: Hereditary myopathy with early respiratory failure; MYOPATHY, PROXIMAL, WITH EARLY RESPIRATORY MUSCLE INVOLVEMENT; Myopathy, distal, with early respiratory failure, autosomal dominant; EDSTROM MYOPATHY. Identifiers: Orphanet 178464, Orphanet 34521, MedGen C1863599, MONDO:0011362, OMIM 603689.
Tibial muscular dystrophy (TMD). Also called: UDD MYOPATHY; Tibial muscular dystrophy, tardive; Udd Distal Myopathy – Tibial Muscular Dystrophy. Identifiers: Orphanet 609, MedGen C1838244, MONDO:0010870, OMIM 600334.
Primary dilated cardiomyopathy (DCM). Also called: Dilated Cardiomyopathy. Identifiers: Orphanet 217604, MedGen C0007193, MeSH D002311, MONDO:0005021, HP:0001644. Inheritance: Various modes of inheritance.

Allele frequency attached by ClinVar (database versions not stated): gnomAD exomes 0.00040 and 0.00064; 1000 Genomes Project 30x 0.00344; 1000 Genomes Project 0.00319; ExAC 0.00081; ESP Exome Variant Server 0.00211; gnomAD 0.00261; TOPMed 0.00267.
gnomAD v4.1: 997 of 1,613,318 alleles (0.062%); highest among the groups gnomAD compares: African/African-American, 0.83%; 8 homozygotes.

Submissions (18):

CeGaT Center for Human Genetics Tuebingen
Classification: Likely benign. Last evaluated: 2026-05-01. Review status: criteria provided, single submitter. Criteria: CeGaT Center For Human Genetics Tuebingen Variant Classification Criteria Version 2. Collection method: clinical testing. Allele origin: germline. Affected: yes. Observed: 5 variant alleles.
Comment: TTN: BS2

Labcorp Genetics (formerly Invitae), Labcorp
Classification: Benign for Dilated cardiomyopathy 1G; Autosomal recessive limb-girdle muscular dystrophy type 2J. Last evaluated: 2026-02-02. Review status: criteria provided, single submitter. Criteria: Invitae Variant Classification Sherloc (09022015). Collection method: clinical testing. Allele origin: germline.

Mayo Clinic Laboratories, Mayo Clinic
Classification: Likely benign. Last evaluated: 2025-09-30. Review status: criteria provided, single submitter. Criteria: ACMG Guidelines, 2015. Collection method: clinical testing. Allele origin: germline. Observed: 7 variant alleles.
Comment: BS1

Molecular Diagnostic Laboratory for Inherited Cardiovascular Disease, Montreal Heart Institute
Classification: Benign. Last evaluated: 2025-04-09. Review status: criteria provided, single submitter. Criteria: ACMG Guidelines, 2015. Collection method: clinical testing. Allele origin: germline. Affected: no.

Blueprint Genetics
Classification: Likely benign. Last evaluated: 2024-10-02. Review status: criteria provided, single submitter. Criteria: ACMG Guidelines, 2015. Collection method: clinical testing. Allele origin: germline.

ARUP Laboratories, Molecular Genetics and Genomics, ARUP Laboratories
Classification: Likely benign. Last evaluated: 2023-11-29. Review status: criteria provided, single submitter. Criteria: ARUP Molecular Germline Variant Investigation Process 2024. Collection method: clinical testing. Allele origin: germline.

Women's Health and Genetics/Laboratory Corporation of America, LabCorp
Classification: Benign. Last evaluated: 2021-05-03. Review status: criteria provided, single submitter. Criteria: LabCorp Variant Classification Summary - May 2015. Collection method: clinical testing. Allele origin: germline.
Comment: Variant summary: TTN c.57058G>A (p.Gly19020Arg) results in a non-conservative amino acid change located in the A-band region of the encoded protein sequence. Four of five in-silico tools predict a damaging effect of the variant on protein function. The variant allele was found at a frequency of 0.00064 in 248094 control chromosomes, predominantly at a frequency of 0.0082 within the African or African-American subpopulation in the gnomAD database. The observed variant frequency within African or African-American control individuals in the gnomAD database is approximately 21- fold the estimated maximal expected allele frequency for a pathogenic variant in TTN causing Dilated Cardiomyopathy phenotype (0.00039), strongly suggesting that the variant is a benign polymorphism found primarily in populations of African or African-American origin. Eight clinical diagnostic laboratories have submitted clinical-significance assessments for this variant to ClinVar after 2014 without evidence for independent evaluation, citing the variant as benign/likely benign (n=7) and uncertain significance (n=1). Based on the evidence outlined above, the variant was classified as benign.

CHEO Genetics Diagnostic Laboratory, Children's Hospital of Eastern Ontario
Classification: Benign for Cardiomyopathy. Last evaluated: 2020-09-11. Review status: criteria provided, single submitter. Criteria: ACMG Guidelines, 2015. Collection method: clinical testing. Allele origin: germline.

Center for Advanced Laboratory Medicine, UC San Diego Health, University of California San Diego
Classification: Benign for Dilated cardiomyopathy. Last evaluated: 2019-05-08. Review status: criteria provided, single submitter. Criteria: ACMG Guidelines, 2015. Collection method: clinical testing. Allele origin: germline. Affected: yes. Observed: 2 variant alleles.

Illumina Laboratory Services, Illumina
Classification: Uncertain significance for Dilated cardiomyopathy 1G. Last evaluated: 2018-01-12. Review status: criteria provided, single submitter. Criteria: ICSL Variant Classification Criteria 13 December 2019. Collection method: clinical testing. Allele origin: germline.

Illumina Laboratory Services, Illumina
Classification: Uncertain significance for Autosomal recessive limb-girdle muscular dystrophy type 2J. Last evaluated: 2018-01-12. Review status: criteria provided, single submitter. Criteria: ICSL Variant Classification Criteria 13 December 2019. Collection method: clinical testing. Allele origin: germline.

Illumina Laboratory Services, Illumina
Classification: Benign for Tibial muscular dystrophy. Last evaluated: 2018-01-12. Review status: criteria provided, single submitter. Criteria: ICSL Variant Classification Criteria 13 December 2019. Collection method: clinical testing. Allele origin: germline.
Comment: This variant was observed in the ICSL laboratory as part of a predisposition screen in an ostensibly healthy population. It had not been previously curated by ICSL or reported in the Human Gene Mutation Database (HGMD: prior to June 1st, 2018), and was therefore a candidate for classification through an automated scoring system. Utilizing variant allele frequency, disease prevalence and penetrance estimates, and inheritance mode, an automated score was calculated to assess if this variant is too frequent to cause the disease. Based on the score and internal cut-off values, a variant classified as benign is not then subjected to further curation. The score for this variant resulted in a classification of benign for this disease.

Illumina Laboratory Services, Illumina
Classification: Benign for Myopathy, myofibrillar, 9, with early respiratory failure. Last evaluated: 2018-01-12. Review status: criteria provided, single submitter. Criteria: ICSL Variant Classification Criteria 13 December 2019. Collection method: clinical testing. Allele origin: germline.
Comment: the same text as in the submission from Illumina Laboratory Services, Illumina above.

Illumina Laboratory Services, Illumina
Classification: Uncertain significance for Early-onset myopathy with fatal cardiomyopathy. Last evaluated: 2018-01-12. Review status: criteria provided, single submitter. Criteria: ICSL Variant Classification Criteria 13 December 2019. Collection method: clinical testing. Allele origin: germline.

Ambry Genetics
Classification: Benign for Cardiovascular phenotype. Last evaluated: 2015-10-23. Review status: criteria provided, single submitter. Criteria: Ambry Variant Classification Scheme 2023. Collection method: clinical testing. Allele origin: germline.

Eurofins Ntd Llc (ga)
Classification: Benign. Last evaluated: 2015-06-09. Review status: criteria provided, single submitter. Criteria: EGL Classification Definitions 2015. Collection method: clinical testing. Allele origin: germline. Observed: 1 variant allele, 1 heterozygote.

GeneDx
Classification: Benign. Last evaluated: 2015-04-08. Review status: criteria provided, single submitter. Criteria: GeneDx Variant Classification (06012015). Collection method: clinical testing. Allele origin: germline. Affected: yes.
Comment: This variant is considered likely benign or benign based on one or more of the following criteria: it is a conservative change, it occurs at a poorly conserved position in the protein, it is predicted to be benign by multiple in silico algorithms, and/or has population frequency not consistent with disease.

Laboratory for Molecular Medicine, Mass General Brigham Personalized Medicine
Classification: Likely benign. Last evaluated: 2015-04-01. Review status: criteria provided, single submitter. Criteria: LMM Criteria. Collection method: clinical testing. Allele origin: germline. Observed: 6 variant alleles.
Comment: p.Gly19020Arg in exon 259 of TTN: This variant is not expected to have clinical significance because it has been identified in 0.8% (78/9730) of African chromos omes by the Exome Aggregation Consortium (ExAC; dbSNP rs181717727).

Literature cited by the submitters: PubMed 32746448 (cited by Mayo Clinic Laboratories, Mayo Clinic).